The following is an entry in ClinVar:

NM_000807.4(GABRA2):c.496T>C (p.Cys166Arg)

Gene: GABRA2 (gamma-aminobutyric acid type A receptor subunit alpha2; minus strand). Cytogenetic location: 4p12.
Variant type: single nucleotide variant.
Coding change: c.496T>C on transcript NM_000807.4 (MANE Select); coding-DNA position 496, T replaced by C.
Protein change: p.Cys166Arg; replaces cysteine 166 with arginine.
Molecular consequence: missense variant.
Genome position (GRCh38, 1-based): chr4:46,310,236, A>G on the plus strand (T>C on the coding strand, the complement: GABRA2 is on the minus strand). VCF-style: chr4-46310236-A-G. GRCh37 (hg19) VCF-style: chr4-46312253-A-G.
Other names: c.496T>C, p.Cys166Arg (NM_001377148.1, NM_001377149.1, NM_001377150.1 and 8 more transcripts); c.331T>C, p.Cys111Arg (NM_001377152.1, NM_001377153.1, NM_001377154.1 and 1 more transcripts); short protein forms C111R, C166R.
Identifiers: ClinVar variation 2810833 (VCV002810833.3), dbSNP rs2475679759, ClinGen allele CA356799057.
Genomic context (GRCh38, chr4:46,310,236, plus strand): 5'-TGCCAAATTTCAGAGGACATGAATGAGCATCCATTGGGAAATCCTCCAAGTGCATTGGGC[A>G]TTCAGCTTGAACTGTAAGCCTAAAAGTCAAAATTTCACTATTTGTTTAAGTATATTGGTA-3'
Protein context (NP_000798.2, residues 156-176): YTMRLTVQAE[Cys166Arg]PMHLEDFPMD

ClinVar aggregate classification (germline): Uncertain significance (1 of 4 stars; one submission).

Submission:

Labcorp Genetics (formerly Invitae), Labcorp
Classification: Uncertain significance. Last evaluated: 2022-11-02. Review status: criteria provided, single submitter. Criteria: Invitae Variant Classification Sherloc (09022015). Collection method: clinical testing. Allele origin: germline.
Comment: In summary, the available evidence is currently insufficient to determine the role of this variant in disease. Therefore, it has been classified as a Variant of Uncertain Significance. Algorithms developed to predict the effect of missense changes on protein structure and function are either unavailable or do not agree on the potential impact of this missense change (SIFT: "Not Available"; PolyPhen-2: "Possibly Damaging"; Align-GVGD: "Not Available"). This variant has not been reported in the literature in individuals affected with GABRA2-related conditions. This variant is not present in population databases (gnomAD no frequency). This sequence change replaces cysteine, which is neutral and slightly polar, with arginine, which is basic and polar, at codon 166 of the GABRA2 protein (p.Cys166Arg).